The following is an entry in ClinVar:

ClinVar aggregate classification (germline): Uncertain significance (1 of 4 stars; one submission).

Submission:

GeneDx
Classification: Uncertain significance. Last evaluated: 2026-03-13. Review status: criteria provided, single submitter. Criteria: GeneDx Variant Classification Process June 2021. Collection method: clinical testing. Allele origin: germline.
Comment: Not observed at significant frequency in large population cohorts (gnomAD); In silico analysis suggests that this missense variant does not alter protein structure/function; Has not been previously published as pathogenic or benign to our knowledge

NM_005909.5(MAP1B):c.6061G>A (p.Glu2021Lys)

Gene: MAP1B (microtubule associated protein 1B; plus strand). Cytogenetic location: 5q13.2.
Variant type: single nucleotide variant.
Coding change: c.6061G>A on transcript NM_005909.5 (MANE Select); coding-DNA position 6061, G replaced by A.
Protein change: p.Glu2021Lys; replaces glutamic acid 2021 with lysine.
Molecular consequence: missense variant.
Genome position (GRCh38, 1-based): chr5:72,199,416, G>A. VCF-style: chr5-72199416-G-A. GRCh37 (hg19) VCF-style: chr5-71495243-G-A.
Other names: c.5683G>A, p.Glu1895Lys (NM_001324255.2); short protein forms E1895K, E2021K.
Identifiers: ClinVar variation 5008969 (VCV005008969.1).